The following is an entry in ClinVar:

NM_006044.4(HDAC6):c.2495G>A (p.Arg832His)

Gene: HDAC6 (histone deacetylase 6; plus strand). Cytogenetic location: Xp11.23.
Variant type: single nucleotide variant.
Coding change: c.2495G>A on transcript NM_006044.4 (MANE Select); coding-DNA position 2495, G replaced by A.
Protein change: p.Arg832His; replaces arginine 832 with histidine.
Molecular consequence: missense variant. On other transcripts: non-coding transcript variant (1).
Genome position (GRCh38, 1-based): chrX:48,822,777, G>A. VCF-style: chrX-48822777-G-A. GRCh37 (hg19) VCF-style: chrX-48681187-G-A.
Other names: c.2537G>A, p.Arg846His (NM_001321225.2); c.2495G>A, p.Arg832His (NM_001321226.2, NM_001321227.2, NM_001321228.2 and 1 more transcripts); short protein forms R832H, R846H.
Identifiers: ClinVar variation 3055312 (VCV003055312.2), dbSNP rs61735967, ClinGen allele CA10405260.

ClinVar aggregate classification (germline): Benign (0 of 4 stars; one submission).

Conditions:
HDAC6-related disorder. Also called: HDAC6-related condition.

Allele frequency attached by ClinVar (database versions not stated): 1000 Genomes Project 30x 0.00791; 1000 Genomes Project 0.00821; TOPMed 0.02044; gnomAD 0.02205; ESP Exome Variant Server 0.02263.
gnomAD v4.1: 38,514 of 1,198,871 alleles (3.2%); highest among the groups gnomAD compares: Non-Finnish European, 3.8%; 505 homozygotes.

Submission:

PreventionGenetics, part of Exact Sciences
Classification: Benign for HDAC6-related condition. Last evaluated: 2019-07-01. Review status: no assertion criteria provided. Collection method: clinical testing. Allele origin: germline.
Comment: This variant is classified as benign based on ACMG/AMP sequence variant interpretation guidelines (Richards et al. 2015 PMID: 25741868, with internal and published modifications).